The following is an entry in ClinVar:

NM_006361.6(HOXB13):c.383C>G (p.Ala128Gly)

Gene: HOXB13 (homeobox B13; minus strand). Cytogenetic location: 17q21.32.
Variant type: single nucleotide variant.
Coding change: c.383C>G on transcript NM_006361.6 (MANE Select); coding-DNA position 383, C replaced by G.
Protein change: p.Ala128Gly; replaces alanine 128 with glycine.
Molecular consequence: missense variant.
Genome position (GRCh38, 1-based): chr17:48,728,211, G>C on the plus strand (C>G on the coding strand, the complement: HOXB13 is on the minus strand). VCF-style: chr17-48728211-G-C. GRCh37 (hg19) VCF-style: chr17-46805573-G-C.
Other names: short protein forms A128G.
Identifiers: ClinVar variation 1503246 (VCV001503246.8), dbSNP rs775273363, ClinGen allele CA400107572.

ClinVar aggregate classification (germline): Uncertain significance (1 of 4 stars; one submission).

Submission:

Labcorp Genetics (formerly Invitae), Labcorp
Classification: Uncertain significance. Last evaluated: 2022-02-06. Review status: criteria provided, single submitter. Criteria: Invitae Variant Classification Sherloc (09022015). Collection method: clinical testing. Allele origin: germline.
Comment: This sequence change replaces alanine, which is neutral and non-polar, with glycine, which is neutral and non-polar, at codon 128 of the HOXB13 protein (p.Ala128Gly). This variant is not present in population databases (gnomAD no frequency). This variant has not been reported in the literature in individuals affected with HOXB13-related conditions. Algorithms developed to predict the effect of missense changes on protein structure and function are either unavailable or do not agree on the potential impact of this missense change (SIFT: "Tolerated"; PolyPhen-2: "Probably Damaging"; Align-GVGD: "Class C0"). In summary, the available evidence is currently insufficient to determine the role of this variant in disease. Therefore, it has been classified as a Variant of Uncertain Significance.